The following is an entry in ClinVar:

ClinVar aggregate classification (germline): Likely benign (1 of 4 stars; one submission).

Conditions:
Familial cancer of breast. Also called: Hereditary breast cancer; hereditary breast carcinoma; BREAST CANCER, FAMILIAL. Identifiers: Orphanet 227535, MedGen C0346153, MONDO:0016419, OMIM 114480. Disease mechanism: loss of function.

Submission:

Myriad Genetics, Inc.
Classification: Likely benign for Familial cancer of breast. Last evaluated: 2025-01-10. Review status: criteria provided, single submitter. Criteria: Myriad Autosomal Dominant, Autosomal Recessive and X-Linked Classification Criteria (2023). Collection method: clinical testing. Allele origin: unknown.
Comment: This variant is considered likely benign. This variant is intronic and is not expected to impact mRNA splicing.

NM_024675.4(PALB2):c.212-14T>G

Gene: PALB2 (partner and localizer of BRCA2; minus strand). Cytogenetic location: 16p12.2.
Variant type: single nucleotide variant.
Coding change: c.212-14T>G on transcript NM_024675.4 (MANE Select); 14 bases into the intron before coding-DNA position 212, T replaced by G.
Molecular consequence: intron variant.
Genome position (GRCh38, 1-based): chr16:23,636,348, A>C on the plus strand (T>G on the coding strand, the complement: PALB2 is on the minus strand). VCF-style: chr16-23636348-A-C. GRCh37 (hg19) VCF-style: chr16-23647669-A-C.
Other names: c.-674-14T>G (NM_001407308.1, NM_001407306.1, NM_001407307.1 and 5 more transcripts); c.48+4762T>G (NM_001407314.1); c.-105+4762T>G (NM_001407313.1, NM_001407312.1); c.152-14T>G (NM_001407296.1); c.212-14T>G (NM_001407297.1, NM_001407302.1, NM_001407298.1 and 3 more transcripts).
Identifiers: ClinVar variation 3904299 (VCV003904299.1).